The following is an entry in ClinVar:

ClinVar aggregate classification (germline): Uncertain significance (1 of 4 stars; one submission).

Conditions:
Hereditary cancer-predisposing syndrome. Also called: Hereditary Cancer Syndrome; Hereditary neoplastic syndrome; Neoplastic Syndromes, Hereditary; Tumor predisposition. Identifiers: Orphanet 140162, MedGen C0027672, MeSH D009386, MONDO:0015356.

Submission:

Ambry Genetics
Classification: Uncertain significance for Hereditary cancer-predisposing syndrome. Last evaluated: 2024-12-18. Review status: criteria provided, single submitter. Criteria: Ambry Variant Classification Scheme 2023. Collection method: clinical testing. Allele origin: germline.
Comment: The p.S1545P variant (also known as c.4633T>C), located in coding exon 15 of the APC gene, results from a T to C substitution at nucleotide position 4633. The serine at codon 1545 is replaced by proline, an amino acid with similar properties. Missense alterations in APC are not a common cause of disease (Spier I et al. Genet Med. 2024 Feb;26(2):100992). This amino acid position is not well conserved in available vertebrate species. In addition, in silico predictors for this gene do not accurately predict pathogenicity. Based on the available evidence, the clinical significance of this variant remains unclear.

NM_000038.6(APC):c.4633T>C (p.Ser1545Pro)

Gene: APC (APC regulator of Wnt signaling pathway; plus strand). Cytogenetic location: 5q22.2.
Variant type: single nucleotide variant.
Coding change: c.4633T>C on transcript NM_000038.6 (MANE Select); coding-DNA position 4633, T replaced by C.
Protein change: p.Ser1545Pro; replaces serine 1545 with proline.
Molecular consequence: missense variant.
Genome position (GRCh38, 1-based): chr5:112,840,227, T>C. VCF-style: chr5-112840227-T-C. GRCh37 (hg19) VCF-style: chr5-112175924-T-C.
Other names: c.4456T>C, p.Ser1486Pro (NM_001354901.2, NM_001407453.1); c.4360T>C, p.Ser1454Pro (NM_001354902.2); c.4330T>C, p.Ser1444Pro (NM_001354903.2, NM_001407458.1, NM_001407459.1 and 1 more transcripts); c.4255T>C, p.Ser1419Pro (NM_001354904.2); c.4153T>C, p.Ser1385Pro (NM_001354905.2); c.3784T>C, p.Ser1262Pro (NM_001354906.2, NM_001407470.1); c.4717T>C, p.Ser1573Pro (NM_001407446.1); c.4687T>C, p.Ser1563Pro (NM_001407447.1, NM_001407448.1, NM_001407449.1 and 1 more transcripts); and 11 more; short protein forms S1262P, S1444P, S1462P, S1486P, S1527P, S1545P, S1563P, S1416P.
Identifiers: ClinVar variation 1742057 (VCV001742057.3), dbSNP rs2149919563, ClinGen allele CA16031483.